The following is an entry in ClinVar:

NM_001232.4(CASQ2):c.1188TGA[2] (p.Asp398del)

Gene: CASQ2 (calsequestrin 2; minus strand). Cytogenetic location: 1p13.1.
Variant type: Microsatellite.
Coding change: c.1188TGA[2] on transcript NM_001232.4 (MANE Select); two copies in a row of the 3-base unit TGA starting at c.1188; the reference has three copies in a row; one copy, 3 bases deleted.
Protein change: p.Asp398del; deletes aspartic acid 398.
Molecular consequence: inframe deletion.
Genome position (GRCh38, 1-based): chr1:115,701,245-115,701,247, TCA deleted on the plus strand (TGA on the coding strand, the reverse complement: CASQ2 is on the minus strand); deleting any 3 consecutive bases within chr1:115,701,245-115,701,255 gives the same sequence; the position shown is the placement nearest the transcript's 3' end. VCF-style (leftmost placement, unchanged base first): chr1-115701244-TTCA-T. GRCh37 (hg19) VCF-style: chr1-116243865-TTCA-T.
Other names: c.1194_1196delTGA (NM_001232.3); short protein forms D398del.
Identifiers: ClinVar variation 190752 (VCV000190752.2), dbSNP rs72554070, ClinGen allele CA301931.

ClinVar aggregate classification (germline): Conflicting classifications of pathogenicity. Review status: criteria provided, conflicting classifications (1 of 4 stars). 2 submissions from 2 submitters: Uncertain significance (1); Likely benign (1). Last evaluated 2016-11-14.

Submissions (2):

GeneDx
Classification: Likely benign. Last evaluated: 2016-11-14. Review status: criteria provided, single submitter. Criteria: GeneDx Variant Classification (06012015). Collection method: clinical testing. Allele origin: germline. Affected: yes.
Comment: This variant is considered likely benign or benign based on one or more of the following criteria: it is a conservative change, it occurs at a poorly conserved position in the protein, it is predicted to be benign by multiple in silico algorithms, and/or has population frequency not consistent with disease.

Stanford Center for Inherited Cardiovascular Disease, Stanford University
Classification: Uncertain significance. Last evaluated: 2011-04-14. Review status: criteria provided, single submitter. Criteria: ACMG Guidelines, 2015. Collection method: provider interpretation. Allele origin: germline.